The following is an entry in ClinVar:

NM_001267550.2(TTN):c.81551_81554del (p.Arg27184fs)

Genes: TTN-AS1 (TTN antisense RNA 1; plus strand), TTN (titin; minus strand). Cytogenetic location: 2q31.2.
Variant type: Deletion.
Coding change: c.81551_81554del on transcript NM_001267550.2 (MANE Select); coding-DNA positions 81551 to 81554, 4 bases deleted (GAAA; older notation c.81551_81554delGAAA).
Protein change: p.Arg27184fs; shifts the reading frame from arginine 27184.
Molecular consequence: frameshift variant.
Genome position (GRCh38, 1-based): chr2:178,564,578-178,564,581, TTTC deleted on the plus strand (GAAA on the coding strand, the reverse complement: TTN is on the minus strand); deleting any 4 consecutive bases within chr2:178,564,578-178,564,583 gives the same sequence; the c. name uses the placement nearest the transcript's 3' end. VCF-style (leftmost placement, unchanged base first): chr2-178564577-GTTTC-G. GRCh37 (hg19) VCF-style: chr2-179429304-GTTTC-G.
Other names: c.76628_76631del, p.Arg25543fs (NM_001256850.1); c.54356_54359del, p.Arg18119fs (NM_003319.4); c.73847_73850del, p.Arg24616fs (NM_133378.4); c.54731_54734del, p.Arg18244fs (NM_133432.3); c.54932_54935del, p.Arg18311fs (NM_133437.4); short protein forms R18119fs, R18244fs, R18311fs, R24616fs, R25543fs, R27184fs.
Identifiers: ClinVar variation 3754585 (VCV003754585.2).

ClinVar aggregate classification (germline): Likely pathogenic (1 of 4 stars; one submission).

Conditions:
Autosomal recessive limb-girdle muscular dystrophy type 2J (LGMDR10). Also called: Limb-girdle muscular dystrophy, type 2J; MUSCULAR DYSTROPHY, LIMB-GIRDLE, AUTOSOMAL RECESSIVE 10. Identifiers: Orphanet 140922, MedGen C1837342, MONDO:0012127, OMIM 608807.
Dilated cardiomyopathy 1G (CMD1G). Identifiers: Orphanet 154, MedGen C1858763, MONDO:0011400, OMIM 604145.

Submission:

Labcorp Genetics (formerly Invitae), Labcorp
Classification: Likely pathogenic for Dilated cardiomyopathy 1G; Autosomal recessive limb-girdle muscular dystrophy type 2J. Last evaluated: 2024-02-12. Review status: criteria provided, single submitter. Criteria: Invitae Variant Classification Sherloc (09022015). Collection method: clinical testing. Allele origin: germline.
Comment: This sequence change creates a premature translational stop signal (p.Arg27184Thrfs*5) in the TTN gene. While this is not anticipated to result in nonsense mediated decay, it is expected to create a truncated TTN protein. This variant is not present in population databases (gnomAD no frequency). This variant has not been reported in the literature in individuals affected with TTN-related conditions. This variant is located in the A band of TTN (PMID: 25589632). Truncating variants in this region are significantly overrepresented in patients affected with dilated cardiomyopathy (PMID: 25589632). Truncating variants in this region have also been reported in individuals affected with autosomal recessive centronuclear myopathy (PMID: 23975875). In summary, the currently available evidence indicates that the variant is pathogenic, but additional data are needed to prove that conclusively. Therefore, this variant has been classified as Likely Pathogenic.

Literature cited by the submitters: PubMed 25589632; PubMed 23975875.